The following is an entry in ClinVar:

NM_002335.4(LRP5):c.2636G>A (p.Arg879His)

Gene: LRP5 (LDL receptor related protein 5; plus strand). Cytogenetic location: 11q13.2.
Variant type: single nucleotide variant.
Coding change: c.2636G>A on transcript NM_002335.4 (MANE Select); coding-DNA position 2636, G replaced by A.
Protein change: p.Arg879His; replaces arginine 879 with histidine.
Molecular consequence: missense variant.
Genome position (GRCh38, 1-based): chr11:68,413,821, G>A. VCF-style: chr11-68413821-G-A. GRCh37 (hg19) VCF-style: chr11-68181289-G-A.
Other names: c.893G>A, p.Arg298His (NM_001291902.2); short protein forms R879H, R298H.
Identifiers: ClinVar variation 1509691 (VCV001509691.6), dbSNP rs1565091876, ClinGen allele CA381618608.

ClinVar aggregate classification (germline): Uncertain significance (1 of 4 stars; one submission).

gnomAD v4.1: 3 of 1,613,626 alleles (0.00019%); highest among the groups gnomAD compares: East Asian, 0.0022%; no homozygotes.

Submission:

Labcorp Genetics (formerly Invitae), Labcorp
Classification: Uncertain significance. Last evaluated: 2021-09-21. Review status: criteria provided, single submitter. Criteria: Invitae Variant Classification Sherloc (09022015). Collection method: clinical testing. Allele origin: germline.
Comment: In summary, the available evidence is currently insufficient to determine the role of this variant in disease. Therefore, it has been classified as a Variant of Uncertain Significance. Advanced modeling of protein sequence and biophysical properties (such as structural, functional, and spatial information, amino acid conservation, physicochemical variation, residue mobility, and thermodynamic stability) performed at Invitae indicates that this missense variant is expected to disrupt LRP5 protein function. This variant has not been reported in the literature in individuals affected with LRP5-related conditions. This variant is not present in population databases (ExAC no frequency). This sequence change replaces arginine with histidine at codon 879 of the LRP5 protein (p.Arg879His). The arginine residue is highly conserved and there is a small physicochemical difference between arginine and histidine.